The following is an entry in ClinVar:

ClinVar aggregate classification (germline): Uncertain significance (1 of 4 stars; one submission).

Allele frequency attached by ClinVar (database versions not stated): ExAC 0.00001; TOPMed 0.00001; gnomAD exomes 0.00002.
gnomAD v4.1: 25 of 1,614,116 alleles (0.0015%); highest among the groups gnomAD compares: Non-Finnish European, 0.0019%; no homozygotes.

Submission:

Labcorp Genetics (formerly Invitae), Labcorp
Classification: Uncertain significance. Last evaluated: 2022-02-20. Review status: criteria provided, single submitter. Criteria: Invitae Variant Classification Sherloc (09022015). Collection method: clinical testing. Allele origin: germline.
Comment: In summary, the available evidence is currently insufficient to determine the role of this variant in disease. Therefore, it has been classified as a Variant of Uncertain Significance. Algorithms developed to predict the effect of missense changes on protein structure and function are either unavailable or do not agree on the potential impact of this missense change (SIFT: "Deleterious"; PolyPhen-2: "Possibly Damaging"; Align-GVGD: "Class C15"). This variant has not been reported in the literature in individuals affected with CDCA7-related conditions. This variant is present in population databases (rs754028322, gnomAD 0.002%). This sequence change replaces phenylalanine, which is neutral and non-polar, with leucine, which is neutral and non-polar, at codon 155 of the CDCA7 protein (p.Phe155Leu).

NM_031942.5(CDCA7):c.463T>C (p.Phe155Leu)

Gene: CDCA7 (cell division cycle associated 7; plus strand). Cytogenetic location: 2q31.1.
Variant type: single nucleotide variant.
Coding change: c.463T>C on transcript NM_031942.5 (MANE Select); coding-DNA position 463, T replaced by C.
Protein change: p.Phe155Leu; replaces phenylalanine 155 with leucine.
Molecular consequence: missense variant.
Genome position (GRCh38, 1-based): chr2:173,363,304, T>C. VCF-style: chr2-173363304-T-C. GRCh37 (hg19) VCF-style: chr2-174228032-T-C.
Other names: c.226T>C, p.Phe76Leu (NM_145810.3); short protein forms F155L, F76L.
Identifiers: ClinVar variation 1900685 (VCV001900685.3), dbSNP rs754028322, ClinGen allele CA1971247.